The following is an entry in ClinVar:

NM_021969.3(NR0B2):c.441G>A (p.Gln147=)

Genes: NR0B2 (nuclear receptor subfamily 0 group B member 2; minus strand), NUDC (nuclear distribution C, dynein complex regulator; plus strand). Cytogenetic location: 1p36.11.
Variant type: single nucleotide variant.
Coding change: c.441G>A on transcript NM_021969.3 (MANE Select); coding-DNA position 441, G replaced by A.
Protein change: p.Gln147=; no amino-acid change (glutamine 147 retained).
Molecular consequence: synonymous variant.
Genome position (GRCh38, 1-based): chr1:26,913,500, C>T on the plus strand (G>A on the coding strand, the complement: NR0B2 is on the minus strand). VCF-style: chr1-26913500-C-T. GRCh37 (hg19) VCF-style: chr1-27239991-C-T.
Identifiers: ClinVar variation 3355580 (VCV003355580.1).

ClinVar aggregate classification (germline): Likely benign (0 of 4 stars; one submission).

Conditions:
NR0B2-related disorder. Also called: NR0B2-related condition.

gnomAD v4.1: 11 of 1,613,692 alleles (0.00068%); highest among the groups gnomAD compares: Non-Finnish European, 0.00093%; no homozygotes.

Submission:

PreventionGenetics, part of Exact Sciences
Classification: Likely benign for NR0B2-related condition. Last evaluated: 2022-06-07. Review status: no assertion criteria provided. Collection method: clinical testing. Allele origin: germline.
Comment: This variant is classified as likely benign based on ACMG/AMP sequence variant interpretation guidelines (Richards et al. 2015 PMID: 25741868, with internal and published modifications).